The following is an entry in ClinVar:

NM_021267.5(CERS1):c.845T>A (p.Phe282Tyr)

Genes: CERS1 (ceramide synthase 1; minus strand), GDF1 (growth differentiation factor 1; minus strand). Cytogenetic location: 19p13.11.
Variant type: single nucleotide variant.
Coding change: c.845T>A on transcript NM_021267.5 (MANE Select); coding-DNA position 845, T replaced by A.
Protein change: p.Phe282Tyr; replaces phenylalanine 282 with tyrosine.
Molecular consequence: missense variant. On other transcripts: 5 prime UTR variant (1), intron variant (1).
Genome position (GRCh38, 1-based): chr19:18,879,296, A>T on the plus strand (T>A on the coding strand, the complement: CERS1 is on the minus strand). VCF-style: chr19-18879296-A-T. GRCh37 (hg19) VCF-style: chr19-18990105-A-T.
Other names: c.551T>A, p.Phe184Tyr (NM_001290265.2, NM_001387442.1, NM_001387443.1 and 2 more transcripts); c.845T>A, p.Phe282Tyr (NM_001387439.1, NM_001387440.1, NM_198207.3); c.800T>A, p.Phe267Tyr (NM_001387441.1); c.-478T>A (NM_001492.6); c.-313+4791T>A (NM_001387438.1); short protein forms F282Y, F184Y, F267Y.
Identifiers: ClinVar variation 1402746 (VCV001402746.8), dbSNP rs775383045, ClinGen allele CA9318137.
Genomic context (GRCh38, chr19:18,879,296, plus strand): 5'-CTCACCAGGAACCAGTAGAGGTTCATAAGGGTGAGCAGCAGCAGGAGCGCATTGAAGAAG[A>T]AGTAGAAGGGGATGTCAGGCACCGTGCGCAGACTGCAGTGACTGGTGGCATACAGGACCT-3'
Protein context (NP_067090.1, residues 272-292): LRTVPDIPFY[Phe282Tyr]FFNALLLLLT

ClinVar aggregate classification (germline): Uncertain significance. Review status: criteria provided, multiple submitters, no conflicts (2 of 4 stars). 2 submissions from 2 submitters: Uncertain significance (2). Last evaluated 2024-03-04.

Conditions:
Progressive myoclonic epilepsy type 8. Identifiers: Orphanet 424027, MedGen C5190825, MONDO:0014545, OMIM 616230.

Allele frequency attached by ClinVar (database versions not stated): gnomAD 0.00001; gnomAD exomes 0.00001 and 0.00002; TOPMed 0.00001; ExAC 0.00002.
gnomAD v4.1: 22 of 1,613,082 alleles (0.0014%); highest among the groups gnomAD compares: South Asian, 0.0044%; no homozygotes.

Submissions (2):

Labcorp Genetics (formerly Invitae), Labcorp
Classification: Uncertain significance for Progressive myoclonic epilepsy type 8. Last evaluated: 2024-03-04. Review status: criteria provided, single submitter. Criteria: Invitae Variant Classification Sherloc (09022015). Collection method: clinical testing. Allele origin: germline.
Comment: This sequence change replaces phenylalanine, which is neutral and non-polar, with tyrosine, which is neutral and polar, at codon 282 of the CERS1 protein (p.Phe282Tyr). This variant is present in population databases (rs775383045, gnomAD 0.01%). This variant has not been reported in the literature in individuals affected with CERS1-related conditions. ClinVar contains an entry for this variant (Variation ID: 1402746). Advanced modeling of protein sequence and biophysical properties (such as structural, functional, and spatial information, amino acid conservation, physicochemical variation, residue mobility, and thermodynamic stability) performed at Invitae indicates that this missense variant is not expected to disrupt CERS1 protein function with a negative predictive value of 80%. In summary, the available evidence is currently insufficient to determine the role of this variant in disease. Therefore, it has been classified as a Variant of Uncertain Significance.

Ambry Genetics
Classification: Uncertain significance. Last evaluated: 2021-12-07. Review status: criteria provided, single submitter. Criteria: Ambry Variant Classification Scheme 2023. Collection method: clinical testing. Allele origin: germline.